The following is an entry in ClinVar:

NM_000059.4(BRCA2):c.5987del (p.Ala1996fs)

Gene: BRCA2 (BRCA2 DNA repair associated; plus strand). Cytogenetic location: 13q13.1.
Variant type: Deletion.
Coding change: c.5987del on transcript NM_000059.4 (MANE Select); coding-DNA position 5987, one base deleted (C; older notation c.5987delC).
Protein change: p.Ala1996fs; shifts the reading frame from alanine 1996.
Molecular consequence: frameshift variant. On other transcripts: non-coding transcript variant (1), intron variant (2).
Genome position (GRCh38, 1-based): chr13:32,340,342, C deleted. VCF-style (leftmost placement, unchanged base first): chr13-32340341-GC-G. GRCh37 (hg19) VCF-style: chr13-32914478-GC-G.
Other names: c.5987del, p.Ala1996fs (NM_001406719.1, NM_001406720.1, NM_001432077.1); c.1910-4216del (NM_001406721.1); c.425-4216del (NM_001406722.1); short protein forms A1996fs.
Identifiers: ClinVar variation 4727554 (VCV004727554.1).

ClinVar aggregate classification (germline): Pathogenic (1 of 4 stars; one submission).

Conditions:
Hereditary breast ovarian cancer syndrome. Also called: Hereditary breast and/or ovarian cancer syndrome; Hereditary breast and ovarian cancer syndrome; Breast and ovarian cancer; Hereditary breast and ovarian cancer syndrome (HBOC); BRCA1- and BRCA2-Associated Hereditary Breast and Ovarian Cancer; Hereditary breast and ovarian cancer. Identifiers: Orphanet 145, MedGen C0677776, MeSH D061325, MONDO:0003582. Disease mechanism: loss of function.

Submission:

Labcorp Genetics (formerly Invitae), Labcorp
Classification: Pathogenic for Hereditary breast ovarian cancer syndrome. Last evaluated: 2025-09-21. Review status: criteria provided, single submitter. Criteria: Invitae Variant Classification Sherloc (09022015). Collection method: clinical testing. Allele origin: germline.
Comment: This sequence change creates a premature translational stop signal (p.Ala1996Glufs*8) in the BRCA2 gene. It is expected to result in an absent or disrupted protein product. Loss-of-function variants in BRCA2 are known to be pathogenic (PMID: 20104584). This variant is not present in population databases (gnomAD no frequency). This variant has not been reported in the literature in individuals affected with BRCA2-related conditions. For these reasons, this variant has been classified as Pathogenic.

Literature cited by the submitters: PubMed 20104584.